The following is an entry in ClinVar:

NM_000093.5(COL5A1):c.2898+116G>A

Gene: COL5A1 (collagen type V alpha 1 chain; plus strand). Cytogenetic location: 9q34.3.
Variant type: single nucleotide variant.
Coding change: c.2898+116G>A on transcript NM_000093.5 (MANE Select); 116 bases into the intron after coding-DNA position 2898, G replaced by A.
Molecular consequence: intron variant.
Genome position (GRCh38, 1-based): chr9:134,797,017, G>A. VCF-style: chr9-134797017-G-A. GRCh37 (hg19) VCF-style: chr9-137688863-G-A.
Other names: c.2898+116G>A (NM_001278074.1).
Identifiers: ClinVar variation 671009 (VCV000671009.2), dbSNP rs72774465, ClinGen allele CA12975164.

ClinVar aggregate classification (germline): Benign. Review status: criteria provided, multiple submitters, no conflicts (2 of 4 stars). 2 submissions from 2 submitters: Benign (2). Last evaluated 2018-06-14.

Allele frequency attached by ClinVar (database versions not stated): TOPMed 0.38089; gnomAD 0.39049 and 0.39164; gnomAD exomes 0.44953; 1000 Genomes Project 30x 0.36883; 1000 Genomes Project 0.37081.
gnomAD v4.1: 506,878 of 1,148,668 alleles (44%); highest among the groups gnomAD compares: East Asian, 49%; 113,087 homozygotes.

Submissions (2):

GeneDx
Classification: Benign. Last evaluated: 2018-06-14. Review status: criteria provided, single submitter. Criteria: GeneDx Variant Classification (06012015). Collection method: clinical testing. Allele origin: germline. Affected: yes.
Comment: This variant is considered likely benign or benign based on one or more of the following criteria: it is a conservative change, it occurs at a poorly conserved position in the protein, it is predicted to be benign by multiple in silico algorithms, and/or has population frequency not consistent with disease.

Breakthrough Genomics
Classification: Benign. Review status: criteria provided, single submitter. Criteria: ACMG Guidelines, 2015. Collection method: not provided. Allele origin: germline. Inheritance: Autosomal dominant inheritance. Affected: yes.